The following is an entry in ClinVar:

ClinVar aggregate classification (germline): Uncertain significance. Review status: criteria provided, multiple submitters, no conflicts (2 of 4 stars). 2 submissions from 2 submitters: Uncertain significance (2). Last evaluated 2024-06-03.

Conditions:
Hereditary cancer-predisposing syndrome. Also called: Tumor predisposition; Hereditary neoplastic syndrome; Neoplastic Syndromes, Hereditary; Hereditary Cancer Syndrome. Identifiers: Orphanet 140162, MedGen C0027672, MeSH D009386, MONDO:0015356.
Cardiovascular phenotype. Identifiers: MedGen CN230736.
Neurofibromatosis, type 1 (NF1). Also called: Peripheral type neurofibromatosis; NEUROFIBROMATOSIS, TYPE I, SOMATIC; Neurofibromatosis, type I; VON RECKLINGHAUSEN DISEASE. Identifiers: Orphanet 636, MedGen C0027831, MONDO:0018975, OMIM 162200. Disease mechanism: loss of function.

Allele frequency attached by ClinVar (database versions not stated): gnomAD exomes below 0.00001.

Submissions (2):

Labcorp Genetics (formerly Invitae), Labcorp
Classification: Uncertain significance for Neurofibromatosis, type 1. Last evaluated: 2024-06-03. Review status: criteria provided, single submitter. Criteria: Invitae Variant Classification Sherloc (09022015). Collection method: clinical testing. Allele origin: germline.
Comment: This sequence change replaces proline, which is neutral and non-polar, with leucine, which is neutral and non-polar, at codon 1377 of the NF1 protein (p.Pro1377Leu). This variant is not present in population databases (gnomAD no frequency). This variant has not been reported in the literature in individuals affected with NF1-related conditions. ClinVar contains an entry for this variant (Variation ID: 219893). Advanced modeling of protein sequence and biophysical properties (such as structural, functional, and spatial information, amino acid conservation, physicochemical variation, residue mobility, and thermodynamic stability) performed at Invitae indicates that this missense variant is expected to disrupt NF1 protein function with a positive predictive value of 95%. In summary, the available evidence is currently insufficient to determine the role of this variant in disease. Therefore, it has been classified as a Variant of Uncertain Significance.

Ambry Genetics
Classification: Uncertain significance for Cardiovascular phenotype; Hereditary cancer-predisposing syndrome. Last evaluated: 2021-12-21. Review status: criteria provided, single submitter. Criteria: Ambry Variant Classification Scheme 2023. Collection method: clinical testing. Allele origin: germline.
Comment: The p.P1377L variant (also known as c.4130C>T), located in coding exon 31 of the NF1 gene, results from a C to T substitution at nucleotide position 4130. The proline at codon 1377 is replaced by leucine, an amino acid with similar properties. This amino acid position is highly conserved in available vertebrate species. In addition, this alteration is predicted to be deleterious by in silico analysis. Since supporting evidence is limited at this time, the clinical significance of this alteration remains unclear.

NM_001042492.3(NF1):c.4193C>T (p.Pro1398Leu)

Gene: NF1 (neurofibromin 1; plus strand). Cytogenetic location: 17q11.2.
Variant type: single nucleotide variant.
Coding change: c.4193C>T on transcript NM_001042492.3 (MANE Select); coding-DNA position 4193, C replaced by T.
Protein change: p.Pro1398Leu; replaces proline 1398 with leucine.
Molecular consequence: missense variant.
Genome position (GRCh38, 1-based): chr17:31,258,363, C>T. VCF-style: chr17-31258363-C-T. GRCh37 (hg19) VCF-style: chr17-29585381-C-T.
Other names: c.4130C>T, p.Pro1377Leu (NM_000267.4); short protein forms P1398L, P1377L.
Identifiers: ClinVar variation 219893 (VCV000219893.6), dbSNP rs864622299, ClinGen allele CA348120.
Genomic context (GRCh38, chr17:31,258,363, plus strand): 5'-AATTCAAACCTTATACTCAATTCTCAACTCCTTGTTTTTAGGTGGTTAGCCAGCGTTTCC[C>T]TCAGAACAGCATCGGTGCAGTAGGAAGTGCCATGTTCCTCAGATTTATCAATCCTGCCAT-3'
Protein context (NP_001035957.1, residues 1388-1408): NKKSVVSQRF[Pro1398Leu]QNSIGAVGSA